The following is an entry in ClinVar:

NM_001003800.2(BICD2):c.956C>T (p.Thr319Met)

Gene: BICD2 (BICD cargo adaptor 2; minus strand). Cytogenetic location: 9q22.31.
Variant type: single nucleotide variant.
Coding change: c.956C>T on transcript NM_001003800.2 (MANE Select); coding-DNA position 956, C replaced by T.
Protein change: p.Thr319Met; replaces threonine 319 with methionine.
Molecular consequence: missense variant.
Genome position (GRCh38, 1-based): chr9:92,720,406, G>A on the plus strand (C>T on the coding strand, the complement: BICD2 is on the minus strand). VCF-style: chr9-92720406-G-A. GRCh37 (hg19) VCF-style: chr9-95482688-G-A.
Other names: c.956C>T, p.Thr319Met (NM_015250.4); short protein forms T319M.
Identifiers: ClinVar variation 934655 (VCV000934655.12), dbSNP rs753891194, ClinGen allele CA5126692.
Genomic context (GRCh38, chr9:92,720,406, plus strand): 5'-TCACTGAGTAGGTCGGAGACGAGGCTGGGGGAGGGCGGTGCGAGGCCCTCCTTCTTGGGC[G>A]TGGAGGTCTTGTTGTCCAGTGGCAGCTTGGCCAGGCCGCCGTGCTCAAAGCCATTGACCA-3'
Protein context (NP_001003800.1, residues 309-329): AKLPLDNKTS[Thr319Met]PKKEGLAPPS

ClinVar aggregate classification (germline): Uncertain significance. Review status: criteria provided, multiple submitters, no conflicts (2 of 4 stars). 2 submissions from 2 submitters: Uncertain significance (2). Last evaluated 2023-11-13.

Conditions:
Autosomal dominant childhood-onset proximal spinal muscular atrophy with contractures (SMALED2A). Also called: Spinal muscular atrophy, lower extremity-predominant, 2A, autosomal dominant; SPINAL MUSCULAR ATROPHY, LOWER EXTREMITY-PREDOMINANT, 2A, CHILDHOOD ONSET, AUTOSOMAL DOMINANT. Identifiers: Orphanet 363447, Orphanet 363454, MedGen C4747715, MONDO:0014121, OMIM 615290.
Inborn genetic diseases. Identifiers: MedGen C0950123, MeSH D030342.

Allele frequency attached by ClinVar (database versions not stated): ExAC 0.00001; gnomAD 0.00001; gnomAD exomes 0.00001; TOPMed 0.00001.

Submissions (2):

Labcorp Genetics (formerly Invitae), Labcorp
Classification: Uncertain significance for Autosomal dominant childhood-onset proximal spinal muscular atrophy with contractures. Last evaluated: 2023-11-13. Review status: criteria provided, single submitter. Criteria: Invitae Variant Classification Sherloc (09022015). Collection method: clinical testing. Allele origin: germline.
Comment: This sequence change replaces threonine, which is neutral and polar, with methionine, which is neutral and non-polar, at codon 319 of the BICD2 protein (p.Thr319Met). This variant is present in population databases (rs753891194, gnomAD 0.002%). This variant has not been reported in the literature in individuals affected with BICD2-related conditions. ClinVar contains an entry for this variant (Variation ID: 934655). Advanced modeling of protein sequence and biophysical properties (such as structural, functional, and spatial information, amino acid conservation, physicochemical variation, residue mobility, and thermodynamic stability) performed at Invitae indicates that this missense variant is not expected to disrupt BICD2 protein function with a negative predictive value of 80%. In summary, the available evidence is currently insufficient to determine the role of this variant in disease. Therefore, it has been classified as a Variant of Uncertain Significance.

Ambry Genetics
Classification: Uncertain significance for Inborn genetic diseases. Last evaluated: 2023-08-08. Review status: criteria provided, single submitter. Criteria: Ambry Variant Classification Scheme 2023. Collection method: clinical testing. Allele origin: germline.